The following is an entry in ClinVar:

NM_152296.5(ATP1A3):c.1871T>A (p.Ile624Asn)

Gene: ATP1A3 (ATPase Na+/K+ transporting subunit alpha 3; minus strand). Cytogenetic location: 19q13.2.
Variant type: single nucleotide variant.
Coding change: c.1871T>A on transcript NM_152296.5 (MANE Select); coding-DNA position 1871, T replaced by A.
Protein change: p.Ile624Asn; replaces isoleucine 624 with asparagine.
Molecular consequence: missense variant.
Genome position (GRCh38, 1-based): chr19:41,978,008, A>T on the plus strand (T>A on the coding strand, the complement: ATP1A3 is on the minus strand). VCF-style: chr19-41978008-A-T. GRCh37 (hg19) VCF-style: chr19-42482160-A-T.
Other names: c.1904T>A, p.Ile635Asn (NM_001256213.2); c.1910T>A, p.Ile637Asn (NM_001256214.2); short protein forms I624N, I635N, I637N.
Identifiers: ClinVar variation 1315366 (VCV001315366.2), dbSNP rs2145964517, ClinGen allele CA406045046.

ClinVar aggregate classification (germline): Uncertain significance (1 of 4 stars; one submission).

Submission:

GeneDx
Classification: Uncertain significance. Last evaluated: 2020-02-06. Review status: criteria provided, single submitter. Criteria: GeneDx Variant Classification Process June 2021. Collection method: clinical testing. Allele origin: germline. Affected: yes.
Comment: Not observed in large population cohorts (Lek et al., 2016); In silico analysis supports that this missense variant has a deleterious effect on protein structure/function; Has not been previously published as pathogenic or benign to our knowledge